The following is an entry in ClinVar:

ClinVar aggregate classification (germline): Uncertain significance (1 of 4 stars; one submission).

Conditions:
Pitt-Hopkins syndrome (PTHS). Also called: ENCEPHALOPATHY, SEVERE EPILEPTIC, WITH AUTONOMIC DYSFUNCTION; MENTAL RETARDATION, SYNDROMAL, WITH INTERMITTENT HYPERVENTILATION. Identifiers: Orphanet 2896, MedGen C1970431, MONDO:0012589, OMIM 610954.

gnomAD v4.1: 20 of 1,613,698 alleles (0.0012%); highest among the groups gnomAD compares: Non-Finnish European, 0.0017%; no homozygotes.

Submission:

Labcorp Genetics (formerly Invitae), Labcorp
Classification: Uncertain significance for Pitt-Hopkins syndrome. Last evaluated: 2024-03-13. Review status: criteria provided, single submitter. Criteria: Invitae Variant Classification Sherloc (09022015). Collection method: clinical testing. Allele origin: germline.
Comment: This sequence change falls in intron 17 of the TCF4 gene. It does not directly change the encoded amino acid sequence of the TCF4 protein. This variant is present in population databases (no rsID available, gnomAD 0.0009%). This variant has not been reported in the literature in individuals affected with TCF4-related conditions. Algorithms developed to predict the effect of sequence changes on RNA splicing suggest that this variant may create or strengthen a splice site. In summary, the available evidence is currently insufficient to determine the role of this variant in disease. Therefore, it has been classified as a Variant of Uncertain Significance.

NM_001083962.2(TCF4):c.1650-7C>G

Gene: TCF4 (transcription factor 4; minus strand). Cytogenetic location: 18q21.2.
Variant type: single nucleotide variant.
Coding change: c.1650-7C>G on transcript NM_001083962.2 (MANE Select); 7 bases into the intron before coding-DNA position 1650, C replaced by G.
Molecular consequence: intron variant.
Genome position (GRCh38, 1-based): chr18:55,229,083, G>C on the plus strand (C>G on the coding strand, the complement: TCF4 is on the minus strand). VCF-style: chr18-55229083-G-C. GRCh37 (hg19) VCF-style: chr18-52896314-G-C.
Other names: c.1650-7C>G (NM_001369567.1, NM_001369568.1); c.1668-7C>G (NM_001243228.2); c.1629-7C>G (NM_001243230.2); c.1647-7C>G (NM_001369569.1, NM_001369570.1, NM_001330604.3); c.1638-7C>G (NM_001369572.1, NM_003199.3, NM_001369571.1); c.1563-7C>G (NM_001369585.1, NM_001348220.1, NM_001369584.1); c.1575-7C>G (NM_001369578.1, NM_001369579.1, NM_001369581.1 and 3 more transcripts); c.1566-7C>G (NM_001369583.1, NM_001348219.2, NM_001306207.1 and 1 more transcripts); and 14 more.
Identifiers: ClinVar variation 2881722 (VCV002881722.3), dbSNP rs1208323500, ClinGen allele CA630395462.
Genomic context (GRCh38, chr18:55,229,083, plus strand): 5'-TCCTTCTCACGCTCTGCCTTCTGCTCTGGTGTCAGGTCCTCATCGTCATTATTGCTGTGG[G>C]ACAAAAGGGATGCAACATTTTCTAATGGTGTGGGGAAAAAGAAGGTGTCTACATTACTTT-3'